The following is an entry in ClinVar:

ClinVar aggregate classification (germline): Conflicting classifications of pathogenicity. Review status: criteria provided, conflicting classifications (1 of 4 stars). 7 submissions from 7 submitters: Likely pathogenic (6); Uncertain significance (1). Last evaluated 2025-07-23.

Conditions:
Familial melanoma. Also called: Hereditary melanoma; Hereditary cutaneous melanoma. Identifiers: Orphanet 618, MedGen C1512419, MONDO:0018961.
Melanoma and neural system tumor syndrome. Also called: MELANOMA-ASTROCYTOMA SYNDROME. Identifiers: Orphanet 252206, MedGen C1835042, MONDO:0007967, OMIM 155755.
Hereditary cancer-predisposing syndrome. Also called: Hereditary neoplastic syndrome; Neoplastic Syndromes, Hereditary; Hereditary Cancer Syndrome; Tumor predisposition. Identifiers: Orphanet 140162, MedGen C0027672, MeSH D009386, MONDO:0015356.
Melanoma-pancreatic cancer syndrome. Identifiers: Orphanet 404560, MedGen C1838547, MONDO:0011713, OMIM 606719. Disease mechanism: loss of function.

Submissions (7):

Labcorp Genetics (formerly Invitae), Labcorp
Classification: Uncertain significance for Familial melanoma. Last evaluated: 2025-07-23. Review status: criteria provided, single submitter. Criteria: Invitae Variant Classification Sherloc (09022015). Collection method: clinical testing. Allele origin: germline.
Comment: This sequence change replaces alanine, which is neutral and non-polar, with proline, which is neutral and non-polar, at codon 127 of the CDKN2A (p16INK4a) protein (p.Ala127Pro). The frequency data for this variant in the population databases is considered unreliable, as metrics indicate poor data quality at this position in the gnomAD database. This missense change has been observed in individual(s) with melanoma and pancreatic cancer (PMID: 11815963, 18023021, 18983535, 21462282, 22804906, 27804060; internal data). It has also been observed to segregate with disease in related individuals. ClinVar contains an entry for this variant (Variation ID: 571866). An algorithm developed to predict the effect of missense changes on protein structure and function (PolyPhen-2) suggests that this variant is likely to be disruptive. Experimental studies have shown that this missense change affects CDKN2A (p16INK4a) function (PMID: 35001868). In summary, the available evidence is currently insufficient to determine the role of this variant in disease. Therefore, it has been classified as a Variant of Uncertain Significance.

Ambry Genetics
Classification: Likely pathogenic for Hereditary cancer-predisposing syndrome. Last evaluated: 2025-05-25. Review status: criteria provided, single submitter. Criteria: Ambry Variant Classification Scheme 2023. Collection method: clinical testing. Allele origin: germline.
Comment: The p.A127P variant (also known as c.379G>C), located in coding exon 2 of the CDKN2A gene, results from a G to C substitution at nucleotide position 379. The alanine at codon 127 is replaced by proline, an amino acid with highly similar properties. This variant was reported in multiple individuals with features consistent with Melanoma-pancreatic cancer syndrome (Lynch HT et al. Cancer. 2002 Jan; 94(1):84-96; Pastorino L et al. Pigment Cell Melanoma Res. 2008 Dec; 21(6):700-9; Helsing P et al. Genes Chromosomes Cancer. 2008 Feb; 47(2):175-84; Levin T et al. Fam. Cancer. 2017 04;16:257-265). A functional study reported this variant as deleterious based on in-vitro assessment of impact on proliferation in human pancreatic cancer cell lines (Kimura H et al. Elife, 2022 Jan;11). This variant has been observed in at least one individual with a personal and/or family history that is consistent with Melanoma-pancreatic cancer syndrome (Ambry internal data). Based on internal structural analysis, this variant is anticipated to result in a significant decrease in structural stability (Ambry internal data). This amino acid position is not well conserved in available vertebrate species. In addition, this alteration is predicted to be deleterious by in silico analysis. Based on the majority of available evidence to date, this variant is likely to be pathogenic.

Department of Pathology and Laboratory Medicine, Sinai Health System
Classification: Likely pathogenic for Melanoma-pancreatic cancer syndrome. Last evaluated: 2024-06-13. Review status: criteria provided, single submitter. Criteria: ACMG Guidelines, 2015. Collection method: clinical testing. Allele origin: germline. Affected: yes.

Color Diagnostics, LLC DBA Color Health
Classification: Likely pathogenic for Hereditary cancer-predisposing syndrome. Last evaluated: 2023-09-01. Review status: criteria provided, single submitter. Criteria: ACMG Guidelines, 2015. Collection method: clinical testing. Allele origin: germline.
Comment: The CDKN2A locus encodes two different gene products, p16INK4a and p14ARF. This missense variant replaces alanine with proline at codon 127 of the CDKN2A (p16INK4A) protein. Computational prediction is inconclusive regarding the impact of this variant on protein structure and function. Functional studies using cell proliferation assays and cell cycle analysis reported this variant as functionally deleterious (PMID: 35001868). This variant has been reported in at least ten individuals affected with melanoma (PMID: 11815963, 18023021, 18983535, 21462282, 22804906, 26775776, 27804060, 30274933, 30967399) and pancreatic cancer (PMID: 11815963; Color data). Positive family history has been reported for most of these individuals. This variant has been shown to segregate with disease in a family affected with late-onset pancreatic cancer and cutaneous malignant melanoma (3 informative meiosis, PMID: 11815963). This variant is rare in the general population and has been identified in 1/244500 chromosomes in the general population by the Genome Aggregation Database (gnomAD). Based on the available evidence, this variant is classified as Likely Pathogenic.

GeneDx
Classification: Likely pathogenic. Last evaluated: 2023-04-26. Review status: criteria provided, single submitter. Criteria: GeneDx Variant Classification Process June 2021. Collection method: clinical testing. Allele origin: germline. Affected: yes.
Comment: Published functional studies show an impact on cell proliferation comparable to other known pathogenic CDKN2A variants (Kimura et al., 2022); Not observed at significant frequency in large population cohorts (gnomAD); In silico analysis supports that this missense variant does not alter protein structure/function; This variant is associated with the following publications: (PMID: 29922827, 15146471, 21462282, 11815963, 18023021, 18983535, 22804906, 35777164, 30967399, 30274933, 27804060, 35001868)

Myriad Genetics, Inc.
Classification: Likely pathogenic for Melanoma-pancreatic cancer syndrome. Last evaluated: 2023-02-09. Review status: criteria provided, single submitter. Criteria: Myriad Autosomal Dominant, Autosomal Recessive and X-Linked Classification Criteria (2023). Collection method: clinical testing. Allele origin: unknown.
Comment: This variant is considered likely pathogenic. Functional studies indicate this variant impacts protein function [PMID: 35001868]. This variant is expected to disrupt protein structure [Myriad internal data]. This variant has been reported in multiple individuals with clinical features of gene-specific disease [PMID: 18983535, 18023021, 21462282].

Baylor Genetics
Classification: Likely pathogenic for Melanoma and neural system tumor syndrome. Last evaluated: 2022-07-13. Review status: criteria provided, single submitter. Criteria: ACMG Guidelines, 2015. Collection method: clinical testing. Allele origin: unknown.

Literature cited by the submitters: PubMed 11815963 (cited by 4 submitters); PubMed 18023021 (cited by 5 submitters); PubMed 18983535 (cited by 5 submitters); PubMed 21462282 (cited by 5 submitters); PubMed 22804906 (cited by 3 submitters); PubMed 27804060 (cited by 4 submitters); PubMed 35001868 (cited by 5 submitters); PubMed 10498896 (cited by Ambry Genetics); PubMed 15146471 (cited by Ambry Genetics and Department of Pathology and Laboratory Medicine, Sinai Health System); PubMed 19500876 (cited by Ambry Genetics); PubMed 29922827 (cited by Ambry Genetics); PubMed 30967399 (cited by 3 submitters); PubMed 26775776 (cited by Department of Pathology and Laboratory Medicine, Sinai Health System and Color Diagnostics, LLC DBA Color Health); PubMed 30274933 (cited by Department of Pathology and Laboratory Medicine, Sinai Health System and Color Diagnostics, LLC DBA Color Health).

NM_000077.5(CDKN2A):c.379G>C (p.Ala127Pro)

Gene: CDKN2A (cyclin dependent kinase inhibitor 2A; minus strand). Cytogenetic location: 9p21.3.
Variant type: single nucleotide variant.
Coding change: c.379G>C on transcript NM_000077.5; coding-DNA position 379, G replaced by C.
Protein change: p.Ala127Pro; replaces alanine 127 with proline.
Molecular consequence: missense variant (on NM_000077.6). On other transcripts: 3 prime UTR variant (2).
Genome position (GRCh38, 1-based): chr9:21,970,980, C>G on the plus strand (G>C on the coding strand, the complement: CDKN2A is on the minus strand). VCF-style: chr9-21970980-C-G. GRCh37 (hg19) VCF-style: chr9-21970979-C-G.
Other names: c.379G>C, p.Ala127Pro (NM_000077.6, NM_001195132.2); c.226G>C, p.Ala76Pro (NM_001363763.2); c.*23G>C (NM_058195.4); c.*302G>C (NM_058197.5); short protein forms A127P, A76P.
Identifiers: ClinVar variation 571866 (VCV000571866.24), dbSNP rs6413464, ClinGen allele CA5012168.
Genomic context (GRCh38, chr9:21,970,980, plus strand): 5'-CATCTATGCGGGCATGGTTACTGCCTCTGGTGCCCCCCGCAGCCGCGCGCAGGTACCGTG[C>G]GACATCGCGATGGCCCAGCTCCTCAGCCAGGTCCACGGGCAGACGGCCCCAGGCATCGCG-3'
Protein context (NP_000068.1, residues 117-137): LAEELGHRDV[Ala127Pro]RYLRAAAGGT